The following is an entry in ClinVar:

NM_007294.4(BRCA1):c.3820dup (p.Val1274fs)

Genes: BRCA1 (BRCA1 DNA repair associated; minus strand), LOC126862571 (BRD4-independent group 4 enhancer GRCh37_chr17:41243136-41244335; plus strand). Cytogenetic location: 17q21.31.
Variant type: Duplication.
Coding change: c.3820dup on transcript NM_007294.4 (MANE Select); coding-DNA position 3820, one base duplicated (G; older notation c.3820dupG).
Protein change: p.Val1274fs; shifts the reading frame from valine 1274.
Molecular consequence: frameshift variant. On other transcripts: intron variant (135).
Genome position (GRCh38, 1-based): chr17:43,091,711, C duplicated on the plus strand (G on the coding strand, the reverse complement: BRCA1 is on the minus strand); the first of 2 consecutive C bases (chr17:43,091,711-43,091,712); duplicating either gives the same sequence. VCF-style (leftmost placement, unchanged base first): chr17-43091710-A-AC. GRCh37 (hg19) VCF-style: chr17-41243727-A-AC.
Other names: 3939insG; c.3607dup, p.Val1203fs (NM_001407571.1, NM_001407915.1, NM_001407916.1 and 9 more transcripts); c.3820dup, p.Val1274fs (NM_001407581.1, NM_001407582.1, NM_001407583.1 and 30 more transcripts); c.3817dup, p.Val1273fs (NM_001407587.1, NM_001407590.1, NM_001407591.1 and 22 more transcripts); c.3811dup, p.Val1271fs (NM_001407646.1, NM_001407647.1); c.3697dup, p.Val1233fs (NM_001407648.1, NM_001407664.1, NM_001407665.1 and 19 more transcripts); c.3739dup, p.Val1247fs (NM_001407661.1, NM_001407662.1, NM_001407659.1 and 1 more transcripts); c.3742dup, p.Val1248fs (NM_001407663.1, NM_001407653.1, NM_001407654.1 and 4 more transcripts); and 43 more; short protein forms V1274fs, V1227fs, V1146fs, V1203fs, V1204fs, V1247fs, V1248fs, V406fs.
Identifiers: ClinVar variation 55017 (VCV000055017.18), dbSNP rs80357616, ClinGen allele CA002461.
Genomic context (GRCh38, chr17:43,091,710, plus strand): 5'-CTAGCAGAACATTTTGTTTCCTCACTAAGGTGATGTTCCTGAGATGCCTTTGCCAATATT[A>AC]CCTGGTTACTGCAGTCATTTAAGCTATTCTTCAATGATAATAAATTCTCCTCTGTGTTCT-3'

ClinVar aggregate classification (germline): Pathogenic. Review status: reviewed by expert panel (3 of 4 stars). 9 submissions from 9 submitters: Pathogenic (1). 8 of the submissions do not count toward it. Last evaluated 2016-09-08.

Conditions:
Hereditary breast ovarian cancer syndrome. Also called: BRCA1- and BRCA2-Associated Hereditary Breast and Ovarian Cancer; Hereditary breast and ovarian cancer syndrome; Hereditary breast and ovarian cancer syndrome (HBOC); Breast and ovarian cancer; Hereditary breast and/or ovarian cancer syndrome; Hereditary breast and ovarian cancer. Identifiers: Orphanet 145, MedGen C0677776, MeSH D061325, MONDO:0003582. Disease mechanism: loss of function.
Breast-ovarian cancer, familial, susceptibility to, 1 (BROVCA1). Also called: BRCA1 Hereditary Breast and Ovarian Cancer; OVARIAN CANCER, SUSCEPTIBILITY TO. Identifiers: Orphanet 145, MedGen C2676676, MONDO:0011450, OMIM 604370. Disease mechanism: loss of function.

Submissions (9):

Evidence-based Network for the Interpretation of Germline Mutant Alleles (ENIGMA)
Classification: Pathogenic for Breast-ovarian cancer, familial, susceptibility to, 1. Last evaluated: 2016-09-08. Review status: reviewed by expert panel. Criteria: ENIGMA BRCA1/2 Classification Criteria (2015). Collection method: curation. Allele origin: germline.
Comment: Variant allele predicted to encode a truncated non-functional protein.

Labcorp Genetics (formerly Invitae), Labcorp
Classification: Pathogenic for Hereditary breast ovarian cancer syndrome. Last evaluated: 2021-04-21. Review status: criteria provided, single submitter. Criteria: Invitae Variant Classification Sherloc (09022015). Collection method: clinical testing. Allele origin: germline. Not counted in ClinVar's aggregate classification.
Comment: This sequence change creates a premature translational stop signal (p.Val1274Glyfs*13) in the BRCA1 gene. It is expected to result in an absent or disrupted protein product. Loss-of-function variants in BRCA1 are known to be pathogenic (PMID: 20104584). This variant is not present in population databases (ExAC no frequency). This variant has been observed in individual(s) with breast and/or ovarian cancer (PMID: 16683254). ClinVar contains an entry for this variant (Variation ID: 55017). Algorithms developed to predict the effect of sequence changes on RNA splicing suggest that this variant may create or strengthen a splice site, but this prediction has not been confirmed by published transcriptional studies. For these reasons, this variant has been classified as Pathogenic.

Consortium of Investigators of Modifiers of BRCA1/2 (CIMBA), c/o University of Cambridge
Classification: Pathogenic for Breast-ovarian cancer, familial, susceptibility to, 1. Last evaluated: 2015-10-02. Review status: criteria provided, single submitter. Criteria: CIMBA Mutation Classification guidelines May 2016. Collection method: clinical testing. Allele origin: germline. Not counted in ClinVar's aggregate classification.

Clinical Genetics DNA and cytogenetics Diagnostics Lab, Erasmus MC, Erasmus Medical Center
Classification: Pathogenic for Breast-ovarian cancer, familial, susceptibility to, 1. Last evaluated: 2015-09-21. Review status: criteria provided, single submitter. Criteria: ACGS Guidelines, 2013. Collection method: clinical testing. Allele origin: germline. Affected: yes. Study: VKGL Data-share Consensus. Not counted in ClinVar's aggregate classification.

Genome Diagnostics Laboratory, University Medical Center Utrecht
Classification: Pathogenic for Breast-ovarian cancer, familial, susceptibility to, 1. Last evaluated: 2014-10-10. Review status: criteria provided, single submitter. Criteria: ACGS Guidelines, 2013. Collection method: clinical testing. Allele origin: germline. Affected: yes. Study: VKGL Data-share Consensus. Not counted in ClinVar's aggregate classification.

Breast Cancer Information Core (BIC) (BRCA1)
Classification: Pathogenic for Breast-ovarian cancer, familial 1. Last evaluated: 1997-04-10. Review status: no assertion criteria provided. Collection method: clinical testing. Allele origin: germline. Affected: yes. Observed: 5 variant alleles. Not counted in ClinVar's aggregate classification.

Clinical Genetics Laboratory, Department of Pathology, Netherlands Cancer Institute
Classification: Pathogenic. Review status: no assertion criteria provided. Collection method: clinical testing. Allele origin: germline. Affected: yes. Study: VKGL Data-share Consensus. Not counted in ClinVar's aggregate classification.

Diagnostic Laboratory, Department of Genetics, University Medical Center Groningen
Classification: Pathogenic. Review status: no assertion criteria provided. Collection method: clinical testing. Allele origin: germline. Affected: yes. Study: VKGL Data-share Consensus. Not counted in ClinVar's aggregate classification.

Laboratory of Diagnostic Genome Analysis, Leiden University Medical Center (LUMC)
Classification: Pathogenic. Review status: no assertion criteria provided. Collection method: clinical testing. Allele origin: germline. Affected: yes. Study: VKGL Data-share Consensus. Not counted in ClinVar's aggregate classification.

Literature cited by the submitters: PubMed 20104584 (cited by Labcorp Genetics (formerly Invitae), Labcorp); PubMed 16683254 (cited by Labcorp Genetics (formerly Invitae), Labcorp).